The following is an entry in ClinVar:

ClinVar aggregate classification (germline): Uncertain significance (1 of 4 stars; one submission).

Allele frequency attached by ClinVar (database versions not stated): gnomAD 0.00001; gnomAD exomes 0.00001 and 0.00002; ExAC 0.00011.
gnomAD v4.1: 6 of 1,553,258 alleles (0.00039%); highest among the groups gnomAD compares: South Asian, 0.0071%; no homozygotes.

Submission:

Labcorp Genetics (formerly Invitae), Labcorp
Classification: Uncertain significance. Last evaluated: 2025-12-01. Review status: criteria provided, single submitter. Criteria: Invitae Variant Classification Sherloc (09022015). Collection method: clinical testing. Allele origin: germline.
Comment: This sequence change replaces cysteine, which is neutral and slightly polar, with serine, which is neutral and polar, at codon 1771 of the MYO7A protein (p.Cys1771Ser). This variant is present in population databases (rs763791145, gnomAD 0.01%). This variant has not been reported in the literature in individuals affected with MYO7A-related conditions. ClinVar contains an entry for this variant (Variation ID: 1384096). Invitae Evidence Modeling of protein sequence and biophysical properties (such as structural, functional, and spatial information, amino acid conservation, physicochemical variation, residue mobility, and thermodynamic stability) indicates that this missense variant is not expected to disrupt MYO7A protein function with a negative predictive value of 95%. In summary, the available evidence is currently insufficient to determine the role of this variant in disease. Therefore, it has been classified as a Variant of Uncertain Significance.

NM_000260.4(MYO7A):c.5312G>C (p.Cys1771Ser)

Gene: MYO7A (myosin VIIA; plus strand). Cytogenetic location: 11q13.5.
Variant type: single nucleotide variant.
Coding change: c.5312G>C on transcript NM_000260.4 (MANE Select); coding-DNA position 5312, G replaced by C.
Protein change: p.Cys1771Ser; replaces cysteine 1771 with serine.
Molecular consequence: missense variant.
Genome position (GRCh38, 1-based): chr11:77,203,203, G>C. VCF-style: chr11-77203203-G-C. GRCh37 (hg19) VCF-style: chr11-76914248-G-C.
Other names: c.5198G>C, p.Cys1733Ser (NM_001127180.2); c.5165G>C, p.Cys1722Ser (NM_001369365.1); short protein forms C1771S, C1722S, C1733S.
Identifiers: ClinVar variation 1384096 (VCV001384096.6), dbSNP rs763791145, ClinGen allele CA6198669.